The following is an entry in ClinVar:

ClinVar aggregate classification (germline): Conflicting classifications of pathogenicity. Review status: criteria provided, conflicting classifications (1 of 4 stars). 3 submissions from 3 submitters: Uncertain significance (2); Likely benign (1). Last evaluated 2025-07-02.

Conditions:
Inborn genetic diseases. Identifiers: MedGen C0950123, MeSH D030342.

Allele frequency attached by ClinVar (database versions not stated): gnomAD 0.00006; ESP Exome Variant Server 0.00009; ExAC 0.00011.
gnomAD v4.1: 101 of 1,613,262 alleles (0.0063%); highest among the groups gnomAD compares: South Asian, 0.018%; no homozygotes.

Submissions (3):

Labcorp Genetics (formerly Invitae), Labcorp
Classification: Uncertain significance. Last evaluated: 2025-07-02. Review status: criteria provided, single submitter. Criteria: Invitae Variant Classification Sherloc (09022015). Collection method: clinical testing. Allele origin: germline.
Comment: This sequence change replaces arginine, which is basic and polar, with glutamine, which is neutral and polar, at codon 542 of the RTTN protein (p.Arg542Gln). This variant is present in population databases (rs370094779, gnomAD 0.02%). This variant has not been reported in the literature in individuals affected with RTTN-related conditions. ClinVar contains an entry for this variant (Variation ID: 1980016). Invitae Evidence Modeling of protein sequence and biophysical properties (such as structural, functional, and spatial information, amino acid conservation, physicochemical variation, residue mobility, and thermodynamic stability) indicates that this missense variant is not expected to disrupt RTTN protein function with a negative predictive value of 80%. In summary, the available evidence is currently insufficient to determine the role of this variant in disease. Therefore, it has been classified as a Variant of Uncertain Significance.

Blueprint Genetics
Classification: Likely benign. Last evaluated: 2024-09-09. Review status: criteria provided, single submitter. Criteria: ACMG Guidelines, 2015. Collection method: clinical testing. Allele origin: germline.

Ambry Genetics
Classification: Uncertain significance for Inborn genetic diseases. Last evaluated: 2021-10-27. Review status: criteria provided, single submitter. Criteria: Ambry Variant Classification Scheme 2023. Collection method: clinical testing. Allele origin: germline.

NM_173630.4(RTTN):c.1625G>A (p.Arg542Gln)

Gene: RTTN (rotatin; minus strand). Cytogenetic location: 18q22.2.
Variant type: single nucleotide variant.
Coding change: c.1625G>A on transcript NM_173630.4 (MANE Select); coding-DNA position 1625, G replaced by A.
Protein change: p.Arg542Gln; replaces arginine 542 with glutamine.
Molecular consequence: missense variant. On other transcripts: 5 prime UTR variant (1).
Genome position (GRCh38, 1-based): chr18:70,168,919, C>T on the plus strand (G>A on the coding strand, the complement: RTTN is on the minus strand). VCF-style: chr18-70168919-C-T. GRCh37 (hg19) VCF-style: chr18-67836155-C-T.
Other names: c.-1023G>A (NM_001318520.2); short protein forms R542Q.
Identifiers: ClinVar variation 1980016 (VCV001980016.4), dbSNP rs370094779, ClinGen allele CA8996132.
Genomic context (GRCh38, chr18:70,168,919, plus strand): 5'-TTCCCAATATCAGACAGGAAGTTACAGGTGCATTCAATTGAATAAACGGCCTCTGCAGTT[C>T]GTTTATAAATACTGTAGTTTTCAGAATTCAGCTGTTCCAAATAGGCCACAACAGCTTCAT-3'
Protein context (NP_775901.3, residues 532-552): LNSENYSIYK[Arg542Gln]TAEAVYSIEC